The following is an entry in ClinVar:

ClinVar aggregate classification (germline): Uncertain significance. Review status: criteria provided, multiple submitters, no conflicts (2 of 4 stars). 2 submissions from 2 submitters: Uncertain significance (2). Last evaluated 2025-05-14.

Conditions:
Inborn genetic diseases. Identifiers: MedGen C0950123, MeSH D030342.
Alkaptonuria (AKU). Also called: HOMOGENTISIC ACID OXIDASE DEFICIENCY; Alkaptonuric ochronosis; Homogentisic acidura; Alcaptonuria. Identifiers: Orphanet 56, MedGen C0002066, MONDO:0008753, OMIM 203500.

Allele frequency attached by ClinVar (database versions not stated): ExAC 0.00001; gnomAD 0.00001; gnomAD exomes 0.00001; TOPMed 0.00002.
gnomAD v4.1: 21 of 1,613,918 alleles (0.0013%); highest among the groups gnomAD compares: Non-Finnish European, 0.0016%; no homozygotes.

Submissions (2):

Ambry Genetics
Classification: Uncertain significance for Inborn genetic diseases. Last evaluated: 2025-05-14. Review status: criteria provided, single submitter. Criteria: Ambry Variant Classification Scheme 2023. Collection method: clinical testing. Allele origin: germline.

Labcorp Genetics (formerly Invitae), Labcorp
Classification: Uncertain significance for Alkaptonuria. Last evaluated: 2025-04-17. Review status: criteria provided, single submitter. Criteria: Invitae Variant Classification Sherloc (09022015). Collection method: clinical testing. Allele origin: germline.
Comment: This sequence change replaces proline, which is neutral and non-polar, with serine, which is neutral and polar, at codon 388 of the HGD protein (p.Pro388Ser). This variant is not present in population databases (gnomAD no frequency). This variant has not been reported in the literature in individuals affected with HGD-related conditions. ClinVar contains an entry for this variant (Variation ID: 2158292). Invitae Evidence Modeling of protein sequence and biophysical properties (such as structural, functional, and spatial information, amino acid conservation, physicochemical variation, residue mobility, and thermodynamic stability) has been performed for this missense variant. However, the output from this modeling did not meet the statistical confidence thresholds required to predict the impact of this variant on HGD protein function. In summary, the available evidence is currently insufficient to determine the role of this variant in disease. Therefore, it has been classified as a Variant of Uncertain Significance.

NM_000187.4(HGD):c.1162C>T (p.Pro388Ser)

Gene: HGD (homogentisate 1,2-dioxygenase; minus strand). Cytogenetic location: 3q13.33.
Variant type: single nucleotide variant.
Coding change: c.1162C>T on transcript NM_000187.4 (MANE Select); coding-DNA position 1162, C replaced by T.
Protein change: p.Pro388Ser; replaces proline 388 with serine.
Molecular consequence: missense variant.
Genome position (GRCh38, 1-based): chr3:120,633,173, G>A on the plus strand (C>T on the coding strand, the complement: HGD is on the minus strand). VCF-style: chr3-120633173-G-A. GRCh37 (hg19) VCF-style: chr3-120352020-G-A.
Other names: c.1162C>T (NM_000187.3); short protein forms P388S.
Identifiers: ClinVar variation 2158292 (VCV002158292.5), dbSNP rs780063156, ClinGen allele CA2559960.